The following is an entry in ClinVar:

ClinVar aggregate classification (germline): Likely benign. Review status: criteria provided, multiple submitters, no conflicts (2 of 4 stars). 3 submissions from 3 submitters: Likely benign (3). Last evaluated 2026-06-30.

Conditions:
TTN-related disorder. Also called: TTN-related condition; TTN-related disease; TTN-related disorders.
Autosomal recessive limb-girdle muscular dystrophy type 2J (LGMDR10). Also called: Limb-girdle muscular dystrophy, type 2J; MUSCULAR DYSTROPHY, LIMB-GIRDLE, AUTOSOMAL RECESSIVE 10. Identifiers: Orphanet 140922, MedGen C1837342, MONDO:0012127, OMIM 608807.
Dilated cardiomyopathy 1G (CMD1G). Identifiers: Orphanet 154, MedGen C1858763, MONDO:0011400, OMIM 604145.

Allele frequency attached by ClinVar (database versions not stated): TOPMed below 0.00001; gnomAD 0.00001; gnomAD exomes 0.00001.
gnomAD v4.1: 11 of 1,611,224 alleles (0.00068%); highest among the groups gnomAD compares: Non-Finnish European, 0.00085%; no homozygotes.

Submissions (3):

PreventionGenetics, part of Exact Sciences
Classification: Likely benign for TTN-related condition. Last evaluated: 2026-06-30. Review status: criteria provided, single submitter. Criteria: ACMG Guidelines, 2015. Collection method: clinical testing. Allele origin: germline.
Comment: This variant is classified as likely benign based on ACMG/AMP sequence variant interpretation guidelines (Richards et al. 2015 PMID: 25741868, with internal and published modifications).

Labcorp Genetics (formerly Invitae), Labcorp
Classification: Likely benign for Dilated cardiomyopathy 1G; Autosomal recessive limb-girdle muscular dystrophy type 2J. Last evaluated: 2024-10-18. Review status: criteria provided, single submitter. Criteria: Invitae Variant Classification Sherloc (09022015). Collection method: clinical testing. Allele origin: germline.

Blueprint Genetics
Classification: Likely benign. Last evaluated: 2021-12-17. Review status: criteria provided, single submitter. Criteria: ACMG Guidelines, 2015. Collection method: clinical testing. Allele origin: germline.

NM_001267550.2(TTN):c.32007A>G (p.Pro10669=)

Gene: TTN (titin; minus strand). Cytogenetic location: 2q31.2.
Variant type: single nucleotide variant.
Coding change: c.32007A>G on transcript NM_001267550.2 (MANE Select); coding-DNA position 32007, A replaced by G.
Protein change: p.Pro10669=; no amino-acid change (proline 10669 retained).
Molecular consequence: synonymous variant. On other transcripts: intron variant (3).
Genome position (GRCh38, 1-based): chr2:178,689,294, T>C on the plus strand (A>G on the coding strand, the complement: TTN is on the minus strand). VCF-style: chr2-178689294-T-C. GRCh37 (hg19) VCF-style: chr2-179554021-T-C.
Other names: c.31056A>G, p.Pro10352= (NM_001256850.1); c.28275A>G, p.Pro9425= (NM_133378.4); c.13283-46977A>G (NM_003319.4); c.13859-46977A>G (NM_133437.4); c.13658-46977A>G (NM_133432.3).
Identifiers: ClinVar variation 705703 (VCV000705703.13), dbSNP rs878922366, ClinGen allele CA60988156.